The following is an entry in ClinVar:

ClinVar aggregate classification (germline): Conflicting classifications of pathogenicity. Review status: criteria provided, conflicting classifications (1 of 4 stars). 3 submissions from 3 submitters: Uncertain significance (2); Likely benign (1). Last evaluated 2025-11-09.

Conditions:
Hereditary cancer-predisposing syndrome. Also called: Tumor predisposition; Neoplastic Syndromes, Hereditary; Hereditary Cancer Syndrome; Hereditary neoplastic syndrome. Identifiers: Orphanet 140162, MedGen C0027672, MeSH D009386, MONDO:0015356.
Ataxia-telangiectasia syndrome (AT). Also called: Ataxia-telangiectasia; LOUIS-BAR SYNDROME; Ataxia-telangiectasia, complementation group D; AT, COMPLEMENTATION GROUP C; ATAXIA-TELANGIECTASIA, COMPLEMENTATION GROUP A; ATAXIA-TELANGIECTASIA, FRESNO VARIANT. Identifiers: Orphanet 100, MedGen C0004135, MONDO:0008840, OMIM 208900.

gnomAD v4.1: 3 of 1,612,922 alleles (0.00019%); highest among the groups gnomAD compares: Non-Finnish European, 0.00025%; no homozygotes.

Submissions (3):

Labcorp Genetics (formerly Invitae), Labcorp
Classification: Uncertain significance for Ataxia-telangiectasia syndrome. Last evaluated: 2025-11-09. Review status: criteria provided, single submitter. Criteria: Invitae Variant Classification Sherloc (09022015). Collection method: clinical testing. Allele origin: germline.
Comment: This sequence change replaces asparagine, which is neutral and polar, with serine, which is neutral and polar, at codon 2130 of the ATM protein (p.Asn2130Ser). This variant is not present in population databases (gnomAD no frequency). This variant has not been reported in the literature in individuals affected with ATM-related conditions. ClinVar contains an entry for this variant (Variation ID: 1331748). Invitae Evidence Modeling of protein sequence and biophysical properties (such as structural, functional, and spatial information, amino acid conservation, physicochemical variation, residue mobility, and thermodynamic stability) indicates that this missense variant is not expected to disrupt ATM protein function with a negative predictive value of 95%. In summary, the available evidence is currently insufficient to determine the role of this variant in disease. Therefore, it has been classified as a Variant of Uncertain Significance.

Ambry Genetics
Classification: Likely benign for Hereditary cancer-predisposing syndrome. Last evaluated: 2024-07-10. Review status: criteria provided, single submitter. Criteria: Ambry Variant Classification Scheme 2023. Collection method: clinical testing. Allele origin: germline.

Color Diagnostics, LLC DBA Color Health
Classification: Uncertain significance for Hereditary cancer-predisposing syndrome. Last evaluated: 2024-03-06. Review status: criteria provided, single submitter. Criteria: ACMG Guidelines, 2015. Collection method: clinical testing. Allele origin: germline.
Comment: This missense variant replaces asparagine with serine at codon 2130 of the ATM protein. Computational prediction suggests that this variant may not impact protein structure and function (internally defined REVEL score threshold <= 0.5, PMID: 27666373). To our knowledge, functional studies have not been reported for this variant. This variant has not been reported in individuals affected with hereditary cancer in the literature. This variant has not been identified in the general population by the Genome Aggregation Database (gnomAD). The available evidence is insufficient to determine the role of this variant in disease conclusively. Therefore, this variant is classified as a Variant of Uncertain Significance.

NM_000051.4(ATM):c.6389A>G (p.Asn2130Ser)

Genes: ATM (ATM serine/threonine kinase; plus strand), C11orf65 (chromosome 11 open reading frame 65; minus strand). Cytogenetic location: 11q22.3.
Variant type: single nucleotide variant.
Coding change: c.6389A>G on transcript NM_000051.4 (MANE Select); coding-DNA position 6389, A replaced by G.
Protein change: p.Asn2130Ser; replaces asparagine 2130 with serine.
Molecular consequence: missense variant. On other transcripts: intron variant (2).
Genome position (GRCh38, 1-based): chr11:108,319,995, A>G. VCF-style: chr11-108319995-A-G. GRCh37 (hg19) VCF-style: chr11-108190722-A-G.
Other names: c.6389A>G, p.Asn2130Ser (NM_001351834.2); c.641-10924T>C (NM_001330368.2); c.*39-10924T>C (NM_001351110.2); short protein forms N2130S.
Identifiers: ClinVar variation 1331748 (VCV001331748.11), dbSNP rs2136220181, ClinGen allele CA382553330.
Genomic context (GRCh38, chr11:108,319,995, plus strand): 5'-TCTTTGACTTATCTCACAGCAAAGAAGTAGAAGGAACCAGTTACCATGAATCATTGTACA[A>G]TGCTCTACAATCTCTAAGAGACAGAGAATTCTCTACATTTTATGAAAGTCTCAAATATGC-3'
Protein context (NP_000042.3, residues 2120-2140): EGTSYHESLY[Asn2130Ser]ALQSLRDREF